The following is an entry in ClinVar:

ClinVar aggregate classification (germline): Conflicting classifications of pathogenicity. Review status: criteria provided, conflicting classifications (1 of 4 stars). 4 submissions from 4 submitters: Uncertain significance (1); Benign (1); Likely benign (1). 1 of the submissions does not count toward it. Last evaluated 2025-12-29.

Conditions:
CACNA1H-related disorder.
Inborn genetic diseases. Identifiers: MedGen C0950123, MeSH D030342.
Idiopathic generalized epilepsy. Also called: Generalised epilepsy; EIG. Identifiers: MedGen C0270850, MONDO:0005579, OMIM 600669.
Hyperaldosteronism, familial, type IV (HALD4). Also called: FH IV; ALDOSTERONISM, PRIMARY, AND HYPERTENSION. Identifiers: Orphanet 642671, MedGen C4310756, MONDO:0014875, OMIM 617027.

Allele frequency attached by ClinVar (database versions not stated): TOPMed 0.00026; gnomAD 0.00027 and 0.00029; ESP Exome Variant Server 0.00033.
gnomAD v4.1: 277 of 1,563,454 alleles (0.018%); highest among the groups gnomAD compares: African/African-American, 0.011%; no homozygotes.

Submissions (4):

Labcorp Genetics (formerly Invitae), Labcorp
Classification: Benign for Idiopathic generalized epilepsy; Hyperaldosteronism, familial, type IV. Last evaluated: 2025-12-29. Review status: criteria provided, single submitter. Criteria: Invitae Variant Classification Sherloc (09022015). Collection method: clinical testing. Allele origin: germline.

Ambry Genetics
Classification: Uncertain significance for Inborn genetic diseases. Last evaluated: 2024-07-09. Review status: criteria provided, single submitter. Criteria: Ambry Variant Classification Scheme 2023. Collection method: clinical testing. Allele origin: germline.

Blueprint Genetics
Classification: Likely benign. Last evaluated: 2024-05-14. Review status: criteria provided, single submitter. Criteria: ACMG Guidelines, 2015. Collection method: clinical testing. Allele origin: germline.

PreventionGenetics, part of Exact Sciences
Classification: Likely benign for CACNA1H-related condition. Last evaluated: 2024-04-04. Review status: no assertion criteria provided. Collection method: clinical testing. Allele origin: germline. Not counted in ClinVar's aggregate classification.
Comment: This variant is classified as likely benign based on ACMG/AMP sequence variant interpretation guidelines (Richards et al. 2015 PMID: 25741868, with internal and published modifications).

NM_021098.3(CACNA1H):c.4790G>A (p.Arg1597Gln)

Gene: CACNA1H (calcium voltage-gated channel subunit alpha1 H; plus strand). Cytogenetic location: 16p13.3.
Variant type: single nucleotide variant.
Coding change: c.4790G>A on transcript NM_021098.3 (MANE Select); coding-DNA position 4790, G replaced by A.
Protein change: p.Arg1597Gln; replaces arginine 1597 with glutamine.
Molecular consequence: missense variant.
Genome position (GRCh38, 1-based): chr16:1,213,792, G>A. VCF-style: chr16-1213792-G-A. GRCh37 (hg19) VCF-style: chr16-1263792-G-A.
Other names: c.4772G>A, p.Arg1591Gln (NM_001005407.2); short protein forms R1597Q, R1591Q.
Identifiers: ClinVar variation 529681 (VCV000529681.14), dbSNP rs370079169, ClinGen allele CA7801622.